The following is an entry in ClinVar:

NM_181672.3(OGT):c.1211C>T (p.Thr404Ile)

Gene: OGT (O-linked N-acetylglucosamine (GlcNAc) transferase; plus strand). Cytogenetic location: Xq13.1.
Variant type: single nucleotide variant.
Coding change: c.1211C>T on transcript NM_181672.3 (MANE Select); coding-DNA position 1211, C replaced by T.
Protein change: p.Thr404Ile; replaces threonine 404 with isoleucine.
Molecular consequence: missense variant.
Genome position (GRCh38, 1-based): chrX:71,556,996, C>T. VCF-style: chrX-71556996-C-T. GRCh37 (hg19) VCF-style: chrX-70776846-C-T.
Other names: c.1181C>T, p.Thr394Ile (NM_181673.3); short protein forms T394I, T404I.
Identifiers: ClinVar variation 3766444 (VCV003766444.2).

ClinVar aggregate classification (germline): Likely pathogenic (1 of 4 stars; one submission).

Conditions:
Intellectual developmental disorder, X-linked 106. Also called: Intellectual disability, X-linked 106; Mental retardation, X-linked 106. Identifiers: MedGen C4478379, MONDO:0030907, OMIM 300997.

Submission:

Molecular Genetics Laboratory, Motol Hospital
Classification: Likely pathogenic for Intellectual developmental disorder, X-linked 106. Last evaluated: 2025-02-21. Review status: criteria provided, single submitter. Criteria: ACMG Guidelines, 2015. Collection method: clinical testing. Allele origin: de novo. Affected: yes. Observed: 1 variant allele.
Comment: Missense variants in the X-linked OGT gene are well-known cause of "X-linked intellectual developmental disorder 106" (MIM:300997). The in silico functional analysis suggest that the aminoacid position p.Thr104 located in the repetitive motif TPR11 and this position is essential for autoglycosylation. The alternative alteration p.Thr404Val causes the decreased autoglycosylation (Uniprot database). The variant NM_181672.3(OGT):c.1211C>T, p.(Thr404Ile) is classified as likely pathogenic (ACMG PS2, PM2, PP3).

Literature cited by the submitters: PubMed 31627256; PubMed 32080367; PubMed 29769320; PubMed 28584052.